The following is an entry in ClinVar:

ClinVar aggregate classification (germline): Uncertain significance (1 of 4 stars; one submission).

Conditions:
Cardiomyopathy (CMYO). Also called: Cardiomyopathies. Identifiers: Orphanet 167848, MedGen C0878544, MONDO:0004994, HP:0001638. Inheritance: Various modes of inheritance.

Allele frequency attached by ClinVar (database versions not stated): TOPMed below 0.00001.

Submission:

Color Diagnostics, LLC DBA Color Health
Classification: Uncertain significance for Cardiomyopathy. Last evaluated: 2024-03-06. Review status: criteria provided, single submitter. Criteria: ACMG Guidelines, 2015. Collection method: clinical testing. Allele origin: germline.
Comment: This missense variant replaces glycine with valine at codon 3517 of the RYR2 protein. Computational prediction is inconclusive regarding the impact of this variant on protein structure and function (internally defined REVEL score threshold 0.5 < inconclusive < 0.7, PMID: 27666373). Splice site prediction tools suggest that this variant may not impact RNA splicing. To our knowledge, functional studies have not been reported for this variant. This variant has not been reported in individuals affected with cardiovascular disorders in the literature. This variant has not been identified in the general population by the Genome Aggregation Database (gnomAD). The available evidence is insufficient to determine the role of this variant in disease conclusively. Therefore, this variant is classified as a Variant of Uncertain Significance.

NM_001035.3(RYR2):c.10550G>T (p.Gly3517Val)

Gene: RYR2 (ryanodine receptor 2; plus strand). Cytogenetic location: 1q43.
Variant type: single nucleotide variant.
Coding change: c.10550G>T on transcript NM_001035.3 (MANE Select); coding-DNA position 10550, G replaced by T.
Protein change: p.Gly3517Val; replaces glycine 3517 with valine.
Molecular consequence: missense variant.
Genome position (GRCh38, 1-based): chr1:237,718,517, G>T. VCF-style: chr1-237718517-G-T. GRCh37 (hg19) VCF-style: chr1-237881817-G-T.
Other names: short protein forms G3517V.
Identifiers: ClinVar variation 927844 (VCV000927844.4), dbSNP rs1689447516, ClinGen allele CA345415386.